The following is an entry in ClinVar:

NM_017617.5(NOTCH1):c.6546G>A (p.Lys2182=)

Gene: NOTCH1 (notch receptor 1; minus strand). Cytogenetic location: 9q34.3.
Variant type: single nucleotide variant.
Coding change: c.6546G>A on transcript NM_017617.5 (MANE Select); coding-DNA position 6546, G replaced by A.
Protein change: p.Lys2182=; no amino-acid change (lysine 2182 retained).
Molecular consequence: synonymous variant.
Genome position (GRCh38, 1-based): chr9:136,497,193, C>T on the plus strand (G>A on the coding strand, the complement: NOTCH1 is on the minus strand). VCF-style: chr9-136497193-C-T. GRCh37 (hg19) VCF-style: chr9-139391645-C-T.
Other names: c.6546G>A, p.Lys2182= (LRG_1122t1).
Identifiers: ClinVar variation 511527 (VCV000511527.1), dbSNP rs1554826502, ClinGen allele CA467832307.

ClinVar aggregate classification (germline): Likely benign (1 of 4 stars; one submission).

Allele frequency attached by ClinVar (database versions not stated): gnomAD exomes below 0.00001.
gnomAD v4.1: 3 of 1,612,836 alleles (0.00019%); highest among the groups gnomAD compares: Non-Finnish European, 0.00025%; no homozygotes.

Submission:

GeneDx
Classification: Likely benign. Last evaluated: 2017-08-18. Review status: criteria provided, single submitter. Criteria: GeneDx Variant Classification (06012015). Collection method: clinical testing. Allele origin: germline. Affected: yes.
Comment: This variant is considered likely benign or benign based on one or more of the following criteria: it is a conservative change, it occurs at a poorly conserved position in the protein, it is predicted to be benign by multiple in silico algorithms, and/or has population frequency not consistent with disease.